The following is an entry in ClinVar:

ClinVar aggregate classification (germline): Uncertain significance (1 of 4 stars; one submission).

Conditions:
Atrial fibrillation, familial, 6 (ATFB6). Identifiers: MedGen C2677294, MONDO:0012816, OMIM 612201.

Allele frequency attached by ClinVar (database versions not stated): gnomAD 0.00001 and 0.00002; TOPMed 0.00001; ExAC 0.00002.
gnomAD v4.1: 58 of 1,614,004 alleles (0.0036%); highest among the groups gnomAD compares: South Asian, 0.0088%; no homozygotes.

Submission:

Labcorp Genetics (formerly Invitae), Labcorp
Classification: Uncertain significance for Atrial fibrillation, familial, 6. Last evaluated: 2025-10-23. Review status: criteria provided, single submitter. Criteria: Invitae Variant Classification Sherloc (09022015). Collection method: clinical testing. Allele origin: germline.
Comment: This sequence change replaces valine, which is neutral and non-polar, with methionine, which is neutral and non-polar, at codon 58 of the NPPA protein (p.Val58Met). This variant is present in population databases (rs768114654, gnomAD 0.002%). This variant has not been reported in the literature in individuals affected with NPPA-related conditions. ClinVar contains an entry for this variant (Variation ID: 410071). An algorithm developed to predict the effect of missense changes on protein structure and function outputs the following: PolyPhen-2: "Benign". The methionine amino acid residue is found in multiple mammalian species, which suggests that this missense change does not adversely affect protein function. In summary, the available evidence is currently insufficient to determine the role of this variant in disease. Therefore, it has been classified as a Variant of Uncertain Significance.

NM_006172.4(NPPA):c.172G>A (p.Val58Met)

Genes: NPPA (natriuretic peptide A; minus strand), NPPA-AS1 (NPPA antisense RNA 1; plus strand), LOC114827827 (VISTA enhancer hs2123; plus strand). Cytogenetic location: 1p36.22.
Variant type: single nucleotide variant.
Coding change: c.172G>A on transcript NM_006172.4 (MANE Select); coding-DNA position 172, G replaced by A.
Protein change: p.Val58Met; replaces valine 58 with methionine.
Molecular consequence: missense variant.
Genome position (GRCh38, 1-based): chr1:11,847,391, C>T on the plus strand (G>A on the coding strand, the complement: NPPA is on the minus strand). VCF-style: chr1-11847391-C-T. GRCh37 (hg19) VCF-style: chr1-11907448-C-T.
Other names: c.172G>A (LRG_751t1); short protein forms V58M.
Identifiers: ClinVar variation 410071 (VCV000410071.8), dbSNP rs768114654, ClinGen allele CA597072.